The following is an entry in ClinVar:

ClinVar aggregate classification (germline): Uncertain significance. Review status: criteria provided, multiple submitters, no conflicts (2 of 4 stars). 4 submissions from 4 submitters: Uncertain significance (4). Last evaluated 2024-06-26.

Conditions:
LAMA2-related muscular dystrophy (LAMA2-RD). Also called: Laminin alpha 2-related dystrophy. Identifiers: MedGen C5679788, MONDO:0100228.

Allele frequency attached by ClinVar (database versions not stated): gnomAD exomes 0.00001 and 0.00002; ExAC 0.00002; ESP Exome Variant Server 0.00008; gnomAD 0.00009 and 0.00010; TOPMed 0.00009; 1000 Genomes Project 30x 0.00016; 1000 Genomes Project 0.00020.
gnomAD v4.1: 33 of 1,579,138 alleles (0.0021%); highest among the groups gnomAD compares: African/African-American, 0.039%; no homozygotes.

Submissions (4):

Blueprint Genetics
Classification: Uncertain significance. Last evaluated: 2024-06-26. Review status: criteria provided, single submitter. Criteria: ACMG Guidelines, 2015. Collection method: clinical testing. Allele origin: germline.

Labcorp Genetics (formerly Invitae), Labcorp
Classification: Uncertain significance for LAMA2-related muscular dystrophy. Last evaluated: 2022-10-26. Review status: criteria provided, single submitter. Criteria: Invitae Variant Classification Sherloc (09022015). Collection method: clinical testing. Allele origin: germline.
Comment: This sequence change replaces isoleucine, which is neutral and non-polar, with valine, which is neutral and non-polar, at codon 1354 of the LAMA2 protein (p.Ile1354Val). This variant is present in population databases (rs143674727, gnomAD 0.03%). This variant has not been reported in the literature in individuals affected with LAMA2-related conditions. ClinVar contains an entry for this variant (Variation ID: 432428). Algorithms developed to predict the effect of missense changes on protein structure and function (SIFT, PolyPhen-2, Align-GVGD) all suggest that this variant is likely to be tolerated. In summary, the available evidence is currently insufficient to determine the role of this variant in disease. Therefore, it has been classified as a Variant of Uncertain Significance.

Mayo Clinic Laboratories, Mayo Clinic
Classification: Uncertain significance. Last evaluated: 2019-05-20. Review status: criteria provided, single submitter. Criteria: ACMG Guidelines, 2015. Collection method: clinical testing. Allele origin: germline. Observed: 1 variant allele.

GeneDx
Classification: Uncertain significance. Last evaluated: 2017-06-06. Review status: criteria provided, single submitter. Criteria: GeneDx Variant Classification (06012015). Collection method: clinical testing. Allele origin: germline. Affected: yes.
Comment: The I1354V variant in the LAMA2 gene has not been reported previously as a pathogenic variant, nor as a benign variant, to our knowledge. The I1354V variant is not observed at a significant frequency in large population cohorts (Lek et al., 2016; 1000 Genomes Consortium et al., 2015; Exome Variant Server). The I1354V variant is a conservative amino acid substitution, which is not likely to impact secondary protein structure as these residues share similar properties. This substitution occurs at a position that is conserved across species. In silico analysis is inconsistent in its predictions as to whether or not the variant is damaging to the protein structure/function. We interpret I1354V as a variant of uncertain significance.

NM_000426.4(LAMA2):c.4060A>G (p.Ile1354Val)

Gene: LAMA2 (laminin subunit alpha 2; plus strand). Cytogenetic location: 6q22.33.
Variant type: single nucleotide variant.
Coding change: c.4060A>G on transcript NM_000426.4 (MANE Select); coding-DNA position 4060, A replaced by G.
Protein change: p.Ile1354Val; replaces isoleucine 1354 with valine.
Molecular consequence: missense variant.
Genome position (GRCh38, 1-based): chr6:129,320,539, A>G. VCF-style: chr6-129320539-A-G. GRCh37 (hg19) VCF-style: chr6-129641684-A-G.
Other names: c.4060A>G, p.Ile1354Val (NM_001079823.2); short protein forms I1354V.
Identifiers: ClinVar variation 432428 (VCV000432428.11), dbSNP rs143674727, ClinGen allele CA3993441.